The following is an entry in ClinVar:

ClinVar aggregate classification (germline): Likely pathogenic. Review status: criteria provided, multiple submitters, no conflicts (2 of 4 stars). 3 submissions from 3 submitters: Likely pathogenic (2). 1 of the submissions does not count toward it. Last evaluated 2021-02-16.

Conditions:
COX6B1-related disorder. Also called: COX6B1-related condition.
Mitochondrial complex IV deficiency, nuclear type 1 (MC4DN1). Also called: COX DEFICIENCY; Mitochondrial complex IV deficiency; Complex 4 mitochondrial respiratory chain deficiency; Deficiency of mitochondrial respiratory chain complex4; Complex IV deficiency. Identifiers: MedGen C5435656, MONDO:0700250, OMIM 220110. Disease mechanism: loss of function.

Allele frequency attached by ClinVar (database versions not stated): gnomAD exomes below 0.00001; ExAC 0.00001.
gnomAD v4.1: 1 of 1,614,068 alleles (0.000062%); highest among the groups gnomAD compares: South Asian, 0.0011%; no homozygotes.

Submissions (3):

Blueprint Genetics
Classification: Likely pathogenic for COX6B1-related disorders. Last evaluated: 2021-02-16. Review status: criteria provided, single submitter. Criteria: ACMG Guidelines, 2015. Collection method: clinical testing. Allele origin: germline. Affected: yes. Observed: 1 variant allele.

Baylor Genetics
Classification: Likely pathogenic for Mitochondrial complex IV deficiency, nuclear type 1. Last evaluated: 2019-11-05. Review status: criteria provided, single submitter. Criteria: ACMG Guidelines, 2015. Collection method: clinical testing. Allele origin: unknown. Affected: yes.
Comment: This variant was determined to be likely pathogenic according to ACMG Guidelines, 2015 [PMID:25741868].

OMIM
Classification: Pathogenic for MITOCHONDRIAL COMPLEX IV DEFICIENCY, NUCLEAR TYPE 7. Last evaluated: 2015-02-01. Review status: no assertion criteria provided. Collection method: literature only. Allele origin: germline. Not counted in ClinVar's aggregate classification.

Literature cited by the submitters: PubMed 24781756 (cited by OMIM); PubMed 18499082 (cited by OMIM).

NM_001863.5(COX6B1):c.58C>T (p.Arg20Cys)

Gene: COX6B1 (cytochrome c oxidase subunit 6B1; plus strand). Cytogenetic location: 19q13.12.
Variant type: single nucleotide variant.
Coding change: c.58C>T on transcript NM_001863.5 (MANE Select); coding-DNA position 58, C replaced by T.
Protein change: p.Arg20Cys; replaces arginine 20 with cysteine.
Molecular consequence: missense variant.
Genome position (GRCh38, 1-based): chr19:35,651,301, C>T. VCF-style: chr19-35651301-C-T. GRCh37 (hg19) VCF-style: chr19-36142203-C-T.
Other names: c.58C>T, p.Arg20Cys (LRG_1246t1); short protein forms R20C.
Identifiers: ClinVar variation 217745 (VCV000217745.3), dbSNP rs778740017, ClinGen allele CA212540.
Genomic context (GRCh38, chr19:35,651,301, plus strand): 5'-ACCATGGCGGAAGACATGGAGACCAAAATCAAGAACTACAAGACCGCCCCTTTTGACAGC[C>T]GCTTCCCCAACCAGAACCAGACTAGAAACTGCTGGCAGAACTACCTGGGTAAGCAGGACC-3'
Protein context (NP_001854.1, residues 10-30): KNYKTAPFDS[Arg20Cys]FPNQNQTRNC